The following is an entry in ClinVar:

NM_000512.5(GALNS):c.242C>T (p.Pro81Leu)

Gene: GALNS (galactosamine (N-acetyl)-6-sulfatase; minus strand). Cytogenetic location: 16q24.3.
Variant type: single nucleotide variant.
Coding change: c.242C>T on transcript NM_000512.5 (MANE Select); coding-DNA position 242, C replaced by T.
Protein change: p.Pro81Leu; replaces proline 81 with leucine.
Molecular consequence: missense variant. On other transcripts: intron variant (1).
Genome position (GRCh38, 1-based): chr16:88,842,708, G>A on the plus strand (C>T on the coding strand, the complement: GALNS is on the minus strand). VCF-style: chr16-88842708-G-A. GRCh37 (hg19) VCF-style: chr16-88909116-G-A.
Other names: c.260C>T, p.Pro87Leu (NM_001323544.2); c.-311-737C>T (NM_001323543.2); short protein forms P81L, P87L.
Identifiers: ClinVar variation 1048390 (VCV001048390.3), dbSNP rs2143005457, ClinGen allele CA397091125.

ClinVar aggregate classification (germline): Likely pathogenic (1 of 4 stars; one submission).

Conditions:
Mucopolysaccharidosis, MPS-IV-A (MPS4A). Also called: Mucopolysaccharidosis type IV A; Mucopolysaccharidosis Type IVA; Morquio syndrome A, mild; MORQUIO SYNDROME A; MPS IVA; mucopolysaccharidosis type 4A. Identifiers: Orphanet 309297, Orphanet 582, MedGen C0086651, MONDO:0009659, OMIM 253000.

Submission:

Laboratory of Diagnosis and Therapy of Lysosomal Disorders, University of Padova
Classification: Likely pathogenic for Mucopolysaccharidosis, MPS-IV-A. Last evaluated: 2021-02-01. Review status: criteria provided, single submitter. Criteria: ACMG Guidelines, 2015. Collection method: curation. Allele origin: germline. Affected: yes.
Comment: In vivo functional studies supportive of a damaging effect on the gene product (low to null enzymatic activity in homozygotes; PS3_supporting); located in a mutational hot spot and/or critical and well-established functional domain without benign variation (PM1_moderate); absent from gnomAD v2.1.1 (PM2_moderate); multiple lines of computational evidence support a deleterious effect on the gene (PP3_supporting)

Literature cited by the submitters: PubMed 24726177; PubMed 34387910.